The following is an entry in ClinVar:

ClinVar aggregate classification (germline): Pathogenic (1 of 4 stars; one submission).

Conditions:
Hereditary cancer-predisposing syndrome. Also called: Neoplastic Syndromes, Hereditary; Tumor predisposition; Hereditary neoplastic syndrome; Hereditary Cancer Syndrome. Identifiers: Orphanet 140162, MedGen C0027672, MeSH D009386, MONDO:0015356.
Cardiovascular phenotype. Identifiers: MedGen CN230736.

Submission:

Ambry Genetics
Classification: Pathogenic for Cardiovascular phenotype; Hereditary cancer-predisposing syndrome. Last evaluated: 2023-04-06. Review status: criteria provided, single submitter. Criteria: Ambry Variant Classification Scheme 2023. Collection method: clinical testing. Allele origin: germline.
Comment: The c.3720_3721delTC variant, located in coding exon 28 of the NF1 gene, results from a deletion of two nucleotides at nucleotide positions 3720 to 3721, causing a translational frameshift with a predicted alternate stop codon (p.R1241Sfs*7). This alteration is expected to result in loss of function by premature protein truncation or nonsense-mediated mRNA decay. As such, this alteration is interpreted as a disease-causing mutation.

NM_001042492.3(NF1):c.3720_3721del (p.Arg1241fs)

Gene: NF1 (neurofibromin 1; plus strand). Cytogenetic location: 17q11.2.
Variant type: Deletion.
Coding change: c.3720_3721del on transcript NM_001042492.3 (MANE Select); coding-DNA positions 3720 to 3721, 2 bases deleted (TC; older notation c.3720_3721delTC).
Protein change: p.Arg1241fs; shifts the reading frame from arginine 1241.
Molecular consequence: frameshift variant.
Genome position (GRCh38, 1-based): chr17:31,235,622-31,235,623, TC deleted; deleting any 2 consecutive bases within chr17:31,235,621-31,235,623 gives the same sequence; the c. name uses the placement nearest the transcript's 3' end. VCF-style (leftmost placement, unchanged base first): chr17-31235620-GCT-G. GRCh37 (hg19) VCF-style: chr17-29562638-GCT-G.
Other names: c.3720_3721delTC (NM_000267.3); c.3720_3721delTC, p.Arg1241Serfs (NM_000267.4); short protein forms R1241fs.
Identifiers: ClinVar variation 3237748 (VCV003237748.1), dbSNP rs2508257965.